The following is an entry in ClinVar:

NM_031924.8(RSPH3):c.-389G>C

Genes: RSPH3 (radial spoke head 3; minus strand), TAGAP-AS1 (TAGAP antisense RNA 1; plus strand). Cytogenetic location: 6q25.3.
Variant type: single nucleotide variant.
Coding change: c.-389G>C on transcript NM_031924.8 (MANE Select); 389 bases upstream of the start codon, G replaced by C.
Molecular consequence: 5 prime UTR variant. On other transcripts: missense variant (1), non-coding transcript variant (1).
Genome position (GRCh38, 1-based): chr6:158,999,939, C>G on the plus strand (G>C on the coding strand, the complement: RSPH3 is on the minus strand). VCF-style: chr6-158999939-C-G. GRCh37 (hg19) VCF-style: chr6-159420971-C-G.
Other names: c.38G>C, p.Arg13Thr (NM_001346418.1); short protein forms R13T.
Identifiers: ClinVar variation 2424634 (VCV002424634.6), dbSNP rs2484932586, ClinGen allele CA366286029.

ClinVar aggregate classification (germline): Uncertain significance (1 of 4 stars; one submission).

Conditions:
Primary ciliary dyskinesia 32. Also called: CILIARY DYSKINESIA, PRIMARY, 32, WITHOUT SITUS INVERSUS. Identifiers: Orphanet 244, MedGen C4225311, MONDO:0014657, OMIM 616481.

Submission:

Labcorp Genetics (formerly Invitae), Labcorp
Classification: Uncertain significance for Primary ciliary dyskinesia 32. Last evaluated: 2024-11-05. Review status: criteria provided, single submitter. Criteria: Invitae Variant Classification Sherloc (09022015). Collection method: clinical testing. Allele origin: germline.
Comment: This sequence change replaces arginine, which is basic and polar, with threonine, which is neutral and polar, at codon 13 of the RSPH3 protein (p.Arg13Thr). This variant is not present in population databases (gnomAD no frequency). This variant has not been reported in the literature in individuals affected with RSPH3-related conditions. ClinVar contains an entry for this variant (Variation ID: 2424634). An algorithm developed to predict the effect of missense changes on protein structure and function (PolyPhen-2) suggests that this variant is likely to be tolerated. In summary, the available evidence is currently insufficient to determine the role of this variant in disease. Therefore, it has been classified as a Variant of Uncertain Significance.